The following is an entry in ClinVar:

ClinVar aggregate classification (germline): Uncertain significance (1 of 4 stars; one submission).

Conditions:
Cardiovascular phenotype. Identifiers: MedGen CN230736.

Submission:

Ambry Genetics
Classification: Uncertain significance for Cardiovascular phenotype. Last evaluated: 2023-03-06. Review status: criteria provided, single submitter. Criteria: Ambry Variant Classification Scheme 2023. Collection method: clinical testing. Allele origin: germline.
Comment: The p.E1897G variant (also known as c.5690A>G), located in coding exon 23 of the AKAP9 gene, results from an A to G substitution at nucleotide position 5690. The glutamic acid at codon 1897 is replaced by glycine, an amino acid with similar properties. This amino acid position is conserved. In addition, this alteration is predicted to be tolerated by in silico analysis. Since supporting evidence is limited at this time, the clinical significance of this alteration remains unclear.

NM_005751.5(AKAP9):c.5690A>G (p.Glu1897Gly)

Gene: AKAP9 (A-kinase anchoring protein 9; plus strand). Cytogenetic location: 7q21.2.
Variant type: single nucleotide variant.
Coding change: c.5690A>G on transcript NM_005751.5 (MANE Select); coding-DNA position 5690, A replaced by G.
Protein change: p.Glu1897Gly; replaces glutamic acid 1897 with glycine.
Molecular consequence: missense variant.
Genome position (GRCh38, 1-based): chr7:92,061,348, A>G. VCF-style: chr7-92061348-A-G. GRCh37 (hg19) VCF-style: chr7-91690662-A-G.
Other names: c.335A>G, p.Glu112Gly (NM_001379277.1); c.5690A>G, p.Glu1897Gly (NM_147185.3); short protein forms E112G, E1897G.
Identifiers: ClinVar variation 2449781 (VCV002449781.2), dbSNP rs2535191045, ClinGen allele CA368131636.